The following is an entry in ClinVar:

NM_012431.3(SEMA3E):c.671-10G>A

Gene: SEMA3E (semaphorin 3E; minus strand). Cytogenetic location: 7q21.11.
Variant type: single nucleotide variant.
Coding change: c.671-10G>A on transcript NM_012431.3 (MANE Select); 10 bases into the intron before coding-DNA position 671, G replaced by A.
Molecular consequence: intron variant.
Genome position (GRCh38, 1-based): chr7:83,407,249, C>T on the plus strand (G>A on the coding strand, the complement: SEMA3E is on the minus strand). VCF-style: chr7-83407249-C-T. GRCh37 (hg19) VCF-style: chr7-83036565-C-T.
Other names: c.491-10G>A (NM_001178129.2).
Identifiers: ClinVar variation 695938 (VCV000695938.12), dbSNP rs372840645, ClinGen allele CA4322242.
Genomic context (GRCh38, chr7:83,407,249, plus strand): 5'-CATCTCTGTCTTCATTGTCAGGAATCATGTATGAACCTACAAATTTTGGTTCTATAGGAG[C>T]AAAAAATAGGAGAAAAAGTGAAATAGATATTACAACTAAATGCTAACAAGTTATTCCAAT-3'

ClinVar aggregate classification (germline): Likely benign. Review status: criteria provided, multiple submitters, no conflicts (2 of 4 stars). 3 submissions from 3 submitters: Likely benign (2). 1 of the submissions does not count toward it. Last evaluated 2025-11-27.

Conditions:
CHARGE syndrome (CHARGE). Also called: Coloboma, heart anomaly, choanal atresia, retardation, genital and ear anomalies; CHARGE association; Hall-Hittner syndrome; Hittner Hirsch Kreh syndrome; CHARGE ASSOCIATION--COLOBOMA, HEART ANOMALY, CHOANAL ATRESIA, RETARDATION, GENITAL AND EAR ANOMALIES. Identifiers: Orphanet 138, MedGen C0265354, MONDO:0008965.
SEMA3E-related disorder. Also called: SEMA3E-related condition.

Allele frequency attached by ClinVar (database versions not stated): TOPMed 0.00005; gnomAD 0.00007; gnomAD exomes 0.00007 and 0.00018; ExAC 0.00008; ESP Exome Variant Server 0.00008.
gnomAD v4.1: 299 of 1,606,450 alleles (0.019%); highest among the groups gnomAD compares: Non-Finnish European, 0.022%; 2 homozygotes.

Submissions (3):

Labcorp Genetics (formerly Invitae), Labcorp
Classification: Likely benign for CHARGE syndrome. Last evaluated: 2025-11-27. Review status: criteria provided, single submitter. Criteria: Invitae Variant Classification Sherloc (09022015). Collection method: clinical testing. Allele origin: germline.

Blueprint Genetics
Classification: Likely benign. Last evaluated: 2023-11-24. Review status: criteria provided, single submitter. Criteria: ACMG Guidelines, 2015. Collection method: clinical testing. Allele origin: germline.

PreventionGenetics, part of Exact Sciences
Classification: Likely benign for SEMA3E-related condition. Last evaluated: 2021-09-02. Review status: no assertion criteria provided. Collection method: clinical testing. Allele origin: germline. Not counted in ClinVar's aggregate classification.
Comment: This variant is classified as likely benign based on ACMG/AMP sequence variant interpretation guidelines (Richards et al. 2015 PMID: 25741868, with internal and published modifications).